The following is an entry in ClinVar:

NM_020297.4(ABCC9):c.603del (p.Lys201_Val202insTer)

Gene: ABCC9 (ATP binding cassette subfamily C member 9; minus strand). Cytogenetic location: 12p12.1.
Variant type: Deletion.
Coding change: c.603del on transcript NM_020297.4 (MANE Select); coding-DNA position 603, one base deleted (A; older notation c.603delA).
Protein change: p.Lys201_Val202insTer.
Molecular consequence: frameshift variant. On other transcripts: intron variant (1), nonsense (1).
Genome position (GRCh38, 1-based): chr12:21,915,881, T deleted on the plus strand (A on the coding strand, the reverse complement: ABCC9 is on the minus strand); the first of 3 consecutive T bases (chr12:21,915,881-21,915,883); deleting any one gives the same sequence. VCF-style (leftmost placement, unchanged base first): chr12-21915880-CT-C. GRCh37 (hg19) VCF-style: chr12-22068814-CT-C.
Other names: c.603del, p.Lys201_Val202insTer (NM_001377273.1, NM_005691.4); c.-48-2815del (NM_001377274.1); c.603delA (NM_005691.2).
Identifiers: ClinVar variation 3991666 (VCV003991666.1).

ClinVar aggregate classification (germline): Uncertain significance (1 of 4 stars; one submission).

Conditions:
Cardiovascular phenotype. Identifiers: MedGen CN230736.

Submission:

Ambry Genetics
Classification: Uncertain significance for Cardiovascular phenotype. Last evaluated: 2025-06-06. Review status: criteria provided, single submitter. Criteria: Ambry Variant Classification Scheme 2023. Collection method: clinical testing. Allele origin: germline.
Comment: The c.603delA variant, located in coding exon 5 of the ABCC9 gene, results from a deletion of one nucleotide at nucleotide position 603, causing a translational frameshift with a predicted alternate stop codon (p.V202*). This variant is considered to be rare based on population cohorts in the Genome Aggregation Database (gnomAD). This alteration is expected to result in loss of function by premature protein truncation or nonsense-mediated mRNA decay. Although biallelic loss of function of ABCC9 has been associated with ABCC9-related neurodevelopmental myopathy syndrome, haploinsufficiency of ABCC9 has not been established as a mechanism of disease for ABCC9-related Cant&uacute; syndrome. Based on the supporting evidence, this variant is expected to be causative of ABCC9-related neurodevelopmental myopathy syndrome when present along with a second pathogenic variant on the other allele; however, its clinical significance for ABCC9-related Cant&uacute; syndrome is unclear.